The following is an entry in ClinVar:

ClinVar aggregate classification (germline): Likely benign (1 of 4 stars; one submission).

Allele frequency attached by ClinVar (database versions not stated): ExAC 0.00014; TOPMed 0.00018.
gnomAD v4.1: 114 of 702,314 alleles (0.016%); highest among the groups gnomAD compares: Admixed American, 0.028%; no homozygotes.

Submissions (2):

CeGaT Center for Human Genetics Tuebingen
Classification: Likely benign. Last evaluated: 2022-09-01. Review status: criteria provided, single submitter. Criteria: CeGaT Center For Human Genetics Tuebingen Variant Classification Criteria Version 2. Collection method: clinical testing. Allele origin: germline. Affected: yes. Observed: 1 variant allele.
Comment: MYO15B: BP4, BP7

Dr. Peter K. Rogan Lab, Western University
No classification provided (evidence only). Condition: Uterine corpus endometrial carcinoma. Review status: no classification provided. Collection method: in vitro. Allele origin: not applicable. Functional consequence: retained intron. Not counted in ClinVar's aggregate classification.

NM_001395058.1(MYO15B):c.8406G>A (p.Pro2802=)

Gene: MYO15B (myosin XVB; plus strand). Cytogenetic location: 17q25.1.
Variant type: single nucleotide variant.
Coding change: c.8406G>A on transcript NM_001395058.1 (MANE Select); coding-DNA position 8406, G replaced by A.
Protein change: p.Pro2802=; no amino-acid change (proline 2802 retained).
Molecular consequence: synonymous variant.
Genome position (GRCh38, 1-based): chr17:75,624,408, G>A. VCF-style: chr17-75624408-G-A. GRCh37 (hg19) VCF-style: chr17-73620488-G-A.
Other names: NC_000017.10:g.73620488G>A; c.8292G>A, p.Pro2764= (NM_001309242.2).
Identifiers: ClinVar variation 2648273 (VCV002648273.25), dbSNP rs761895490, ClinGen allele CA8766672.